The following is an entry in ClinVar:

ClinVar aggregate classification (germline): Benign/Likely benign. Review status: criteria provided, multiple submitters, no conflicts (2 of 4 stars). 5 submissions from 5 submitters: Benign (2); Likely benign (3). Last evaluated 2026-02-02.

Conditions:
Spinocerebellar ataxia 48. Identifiers: Orphanet 631103, MedGen C4748158, MONDO:0032526, OMIM 618093.
Autosomal recessive spinocerebellar ataxia 16. Identifiers: Orphanet 412057, MedGen C5190574, MONDO:0014339, OMIM 615768.

Allele frequency attached by ClinVar (database versions not stated): gnomAD exomes 0.00146 and 0.00387; ExAC 0.00450; gnomAD 0.01077 and 0.01123; ESP Exome Variant Server 0.01184; TOPMed 0.01222; 1000 Genomes Project 30x 0.01374; 1000 Genomes Project 0.01378.
gnomAD v4.1: 3,835 of 1,587,312 alleles (0.24%); highest among the groups gnomAD compares: African/African-American, 3.7%; 82 homozygotes.

Submissions (5):

Labcorp Genetics (formerly Invitae), Labcorp
Classification: Benign. Last evaluated: 2026-02-02. Review status: criteria provided, single submitter. Criteria: Invitae Variant Classification Sherloc (09022015). Collection method: clinical testing. Allele origin: germline.

Mayo Clinic Laboratories, Mayo Clinic
Classification: Benign. Last evaluated: 2023-11-06. Review status: criteria provided, single submitter. Criteria: ACMG Guidelines, 2015. Collection method: clinical testing. Allele origin: germline. Observed: 7 variant alleles.
Comment: BA1, BP4, BP7

GeneDx
Classification: Likely benign. Last evaluated: 2022-09-02. Review status: criteria provided, single submitter. Criteria: GeneDx Variant Classification Process June 2021. Collection method: clinical testing. Allele origin: germline. Affected: yes.
Comment: See Variant Classification Assertion Criteria.

Fulgent Genetics
Classification: Likely benign for Autosomal recessive spinocerebellar ataxia 16; Spinocerebellar ataxia 48. Last evaluated: 2021-07-19. Review status: criteria provided, single submitter. Criteria: ACMG Guidelines, 2015. Collection method: clinical testing. Allele origin: unknown.

Breakthrough Genomics
Classification: Likely benign. Review status: criteria provided, single submitter. Criteria: ACMG Guidelines, 2015. Collection method: not provided. Allele origin: germline. Inheritance: Autosomal recessive inheritance. Affected: yes.

NM_005861.4(STUB1):c.642T>C (p.Leu214=)

Genes: STUB1 (STIP1 homology and U-box containing protein 1; plus strand), JMJD8 (jumonji domain containing 8; minus strand). Cytogenetic location: 16p13.3.
Variant type: single nucleotide variant.
Coding change: c.642T>C on transcript NM_005861.4 (MANE Select); coding-DNA position 642, T replaced by C.
Protein change: p.Leu214=; no amino-acid change (leucine 214 retained).
Molecular consequence: synonymous variant. On other transcripts: 3 prime UTR variant (5), non-coding transcript variant (3).
Genome position (GRCh38, 1-based): chr16:682,049, T>C. VCF-style: chr16-682049-T-C. GRCh37 (hg19) VCF-style: chr16-732049-T-C.
Other names: p.Leu214=; c.426T>C, p.Leu142= (NM_001293197.2); c.*745A>G (NM_001005920.4, NM_001323919.3, NM_001323920.3); c.*779A>G (NM_001323918.3, NM_001323922.3).
Identifiers: ClinVar variation 783725 (VCV000783725.14), dbSNP rs79687861, ClinGen allele CA7786745.
Genomic context (GRCh38, chr16:682,049, plus strand): 5'-TCCCCCAAGCACAGCACTCAACTCTTCACAGGACAAGTACATGGCGGACATGGACGAGCT[T>C]TTTTCTCAGGTGGATGAGAAGAGGAAGGTGAGTGTGTGTCGCTTGCTGCCGATGGCTGGC-3'
Protein context (NP_005852.2, residues 204-224): HDKYMADMDE[Leu214=]FSQVDEKRKK